The following is an entry in ClinVar:

NM_000702.4(ATP1A2):c.12+292A>C

Gene: ATP1A2 (ATPase Na+/K+ transporting subunit alpha 2; plus strand). Cytogenetic location: 1q23.2.
Variant type: single nucleotide variant.
Coding change: c.12+292A>C on transcript NM_000702.4 (MANE Select); 292 bases into the intron after coding-DNA position 12, A replaced by C.
Molecular consequence: intron variant.
Genome position (GRCh38, 1-based): chr1:160,116,165, A>C. VCF-style: chr1-160116165-A-C. GRCh37 (hg19) VCF-style: chr1-160085955-A-C.
Identifiers: ClinVar variation 668017 (VCV000668017.2), dbSNP rs2070700, ClinGen allele CA10688678.
Genomic context (GRCh38, chr1:160,116,165, plus strand): 5'-ACCCACAGCCCACCACACATGCCCCCTCCATCTCTCCCTCCACCCCACTCCCACATCTCT[A>C]GTCCTTCCCTGCAGCAGTCCCTCCTCTCACTGCATCTCCCGGCCTCCCAGCTGAAAGGAT-3'

ClinVar aggregate classification (germline): Benign. Review status: criteria provided, multiple submitters, no conflicts (2 of 4 stars). 2 submissions from 2 submitters: Benign (2). Last evaluated 2018-06-19.

Allele frequency attached by ClinVar (database versions not stated): 1000 Genomes Project 30x 0.29685; 1000 Genomes Project 0.30331; TOPMed 0.31521; gnomAD 0.32719 and 0.32767.
gnomAD v4.1: 49,207 of 150,380 alleles (33%); highest among the groups gnomAD compares: Non-Finnish European, 37%; 8,405 homozygotes.

Submissions (2):

GeneDx
Classification: Benign. Last evaluated: 2018-06-19. Review status: criteria provided, single submitter. Criteria: GeneDx Variant Classification (06012015). Collection method: clinical testing. Allele origin: germline. Affected: yes.
Comment: This variant is considered likely benign or benign based on one or more of the following criteria: it is a conservative change, it occurs at a poorly conserved position in the protein, it is predicted to be benign by multiple in silico algorithms, and/or has population frequency not consistent with disease.

Breakthrough Genomics
Classification: Benign. Review status: criteria provided, single submitter. Criteria: ACMG Guidelines, 2015. Collection method: not provided. Allele origin: germline. Inheritance: Autosomal recessive inheritance. Affected: yes.